The following is an entry in ClinVar:

ClinVar aggregate classification (germline): Likely benign (0 of 4 stars; one submission).

Conditions:
SEMA3G-related disorder. Also called: SEMA3G-related condition.

gnomAD v4.1: 18 of 1,613,884 alleles (0.0011%); highest among the groups gnomAD compares: South Asian, 0.0033%; no homozygotes.

Submission:

PreventionGenetics, part of Exact Sciences
Classification: Likely benign for SEMA3G-related condition. Last evaluated: 2022-05-27. Review status: no assertion criteria provided. Collection method: clinical testing. Allele origin: germline.
Comment: This variant is classified as likely benign based on ACMG/AMP sequence variant interpretation guidelines (Richards et al. 2015 PMID: 25741868, with internal and published modifications).

NM_020163.3(SEMA3G):c.228C>T (p.Asp76=)

Gene: SEMA3G (semaphorin 3G; minus strand). Cytogenetic location: 3p21.1.
Variant type: single nucleotide variant.
Coding change: c.228C>T on transcript NM_020163.3 (MANE Select); coding-DNA position 228, C replaced by T.
Protein change: p.Asp76=; no amino-acid change (aspartic acid 76 retained).
Molecular consequence: synonymous variant.
Genome position (GRCh38, 1-based): chr3:52,442,795, G>A on the plus strand (C>T on the coding strand, the complement: SEMA3G is on the minus strand). VCF-style: chr3-52442795-G-A. GRCh37 (hg19) VCF-style: chr3-52476811-G-A.
Identifiers: ClinVar variation 3353390 (VCV003353390.1).